The following is an entry in ClinVar:

NM_017721.5(CC2D1A):c.2708G>A (p.Arg903Gln)

Gene: CC2D1A (coiled-coil and C2 domain containing 1A; plus strand). Cytogenetic location: 19p13.12.
Variant type: single nucleotide variant.
Coding change: c.2708G>A on transcript NM_017721.5 (MANE Select); coding-DNA position 2708, G replaced by A.
Protein change: p.Arg903Gln; replaces arginine 903 with glutamine.
Molecular consequence: missense variant.
Genome position (GRCh38, 1-based): chr19:13,929,658, G>A. VCF-style: chr19-13929658-G-A. GRCh37 (hg19) VCF-style: chr19-14040471-G-A.
Other names: short protein forms R903Q.
Identifiers: ClinVar variation 588494 (VCV000588494.5), dbSNP rs771686309, ClinGen allele CA9245183.

ClinVar aggregate classification (germline): Uncertain significance (1 of 4 stars; one submission).

Conditions:
Inborn genetic diseases. Identifiers: MedGen C0950123, MeSH D030342.

Allele frequency attached by ClinVar (database versions not stated): ExAC below 0.00001; gnomAD exomes 0.00002; gnomAD 0.00004.

Submission:

Ambry Genetics
Classification: Uncertain significance for Inborn genetic diseases. Last evaluated: 2016-11-29. Review status: criteria provided, single submitter. Criteria: Ambry Variant Classification Scheme 2023. Collection method: clinical testing. Allele origin: germline.
Comment: The p.R903Q variant (also known as c.2708G>A), located in coding exon 26 of the CC2D1A gene, results from a G to A substitution at nucleotide position 2708. The arginine at codon 903 is replaced by glutamine, an amino acid with highly similar properties. This amino acid position is well conserved in available vertebrate species. In addition, this alteration is predicted to be tolerated by in silico analysis. Since supporting evidence is limited at this time, the clinical significance of this alteration remains unclear.